The following is an entry in ClinVar:

NM_001134407.3(GRIN2A):c.295G>A (p.Val99Met)

Gene: GRIN2A (glutamate ionotropic receptor NMDA type subunit 2A; minus strand). Cytogenetic location: 16p13.2.
Variant type: single nucleotide variant.
Coding change: c.295G>A on transcript NM_001134407.3 (MANE Select); coding-DNA position 295, G replaced by A.
Protein change: p.Val99Met; replaces valine 99 with methionine.
Molecular consequence: missense variant.
Genome position (GRCh38, 1-based): chr16:10,180,117, C>T on the plus strand (G>A on the coding strand, the complement: GRIN2A is on the minus strand). VCF-style: chr16-10180117-C-T. GRCh37 (hg19) VCF-style: chr16-10273974-C-T.
Other names: c.295G>A, p.Val99Met (NM_000833.5, NM_001134408.2); short protein forms V99M.
Identifiers: ClinVar variation 1060659 (VCV001060659.7), dbSNP rs773569899, ClinGen allele CA277615589.

ClinVar aggregate classification (germline): Uncertain significance (1 of 4 stars; one submission).

Conditions:
Landau-Kleffner syndrome (FESD). Also called: APHASIA, ACQUIRED, WITH EPILEPSY; EPILEPSY, FOCAL, WITH SPEECH DISORDER AND WITH OR WITHOUT MENTAL RETARDATION. Identifiers: Orphanet 1945, Orphanet 725, Orphanet 98818, MedGen C0282512, MONDO:0009509, OMIM 245570.

Allele frequency attached by ClinVar (database versions not stated): gnomAD 0.00003 and 0.00002; TOPMed below 0.00001.
gnomAD v4.1: 4 of 1,614,102 alleles (0.00025%); highest among the groups gnomAD compares: African/African-American, 0.004%; no homozygotes.

Submission:

Labcorp Genetics (formerly Invitae), Labcorp
Classification: Uncertain significance for Landau-Kleffner syndrome. Last evaluated: 2023-10-18. Review status: criteria provided, single submitter. Criteria: Invitae Variant Classification Sherloc (09022015). Collection method: clinical testing. Allele origin: germline.
Comment: This sequence change replaces valine, which is neutral and non-polar, with methionine, which is neutral and non-polar, at codon 99 of the GRIN2A protein (p.Val99Met). This variant is present in population databases (no rsID available, gnomAD 0.01%). This variant has not been reported in the literature in individuals affected with GRIN2A-related conditions. ClinVar contains an entry for this variant (Variation ID: 1060659). Advanced modeling of protein sequence and biophysical properties (such as structural, functional, and spatial information, amino acid conservation, physicochemical variation, residue mobility, and thermodynamic stability) performed at Invitae indicates that this missense variant is expected to disrupt GRIN2A protein function. In summary, the available evidence is currently insufficient to determine the role of this variant in disease. Therefore, it has been classified as a Variant of Uncertain Significance.